The following is an entry in ClinVar:

NM_024675.4(PALB2):c.2912G>T (p.Gly971Val)

Gene: PALB2 (partner and localizer of BRCA2; minus strand). Cytogenetic location: 16p12.2.
Variant type: single nucleotide variant.
Coding change: c.2912G>T on transcript NM_024675.4 (MANE Select); coding-DNA position 2912, G replaced by T.
Protein change: p.Gly971Val; replaces glycine 971 with valine.
Molecular consequence: missense variant.
Genome position (GRCh38, 1-based): chr16:23,623,053, C>A on the plus strand (G>T on the coding strand, the complement: PALB2 is on the minus strand). VCF-style: chr16-23623053-C-A. GRCh37 (hg19) VCF-style: chr16-23634374-C-A.
Other names: short protein forms G971V.
Identifiers: ClinVar variation 410137 (VCV000410137.19), dbSNP rs1060502754, ClinGen allele CA16615076.

ClinVar aggregate classification (germline): Uncertain significance. Review status: criteria provided, multiple submitters, no conflicts (2 of 4 stars). 3 submissions from 3 submitters: Uncertain significance (3). Last evaluated 2025-11-30.

Conditions:
Familial cancer of breast. Also called: BREAST CANCER, FAMILIAL; Hereditary breast cancer; hereditary breast carcinoma. Identifiers: Orphanet 227535, MedGen C0346153, MONDO:0016419, OMIM 114480. Disease mechanism: loss of function.
Hereditary cancer-predisposing syndrome. Also called: Tumor predisposition; Hereditary Cancer Syndrome; Hereditary neoplastic syndrome; Neoplastic Syndromes, Hereditary. Identifiers: Orphanet 140162, MedGen C0027672, MeSH D009386, MONDO:0015356.

Submissions (3):

Ambry Genetics
Classification: Uncertain significance for Hereditary cancer-predisposing syndrome. Last evaluated: 2025-11-30. Review status: criteria provided, single submitter. Criteria: Ambry Variant Classification Scheme 2023. Collection method: clinical testing. Allele origin: germline.
Comment: The p.G971V variant (also known as c.2912G>T), located in coding exon 9 of the PALB2 gene, results from a G to T substitution at nucleotide position 2912. The glycine at codon 971 is replaced by valine, an amino acid with dissimilar properties. This amino acid position is well conserved in available vertebrate species. In addition, the in silico prediction for this alteration is inconclusive. Since supporting evidence is limited at this time, the clinical significance of this alteration remains unclear.

Labcorp Genetics (formerly Invitae), Labcorp
Classification: Uncertain significance for Familial cancer of breast. Last evaluated: 2025-02-19. Review status: criteria provided, single submitter. Criteria: Invitae Variant Classification Sherloc (09022015). Collection method: clinical testing. Allele origin: germline.
Comment: This sequence change replaces glycine, which is neutral and non-polar, with valine, which is neutral and non-polar, at codon 971 of the PALB2 protein (p.Gly971Val). This variant is not present in population databases (gnomAD no frequency). This variant has not been reported in the literature in individuals affected with PALB2-related conditions. ClinVar contains an entry for this variant (Variation ID: 410137). Invitae Evidence Modeling of protein sequence and biophysical properties (such as structural, functional, and spatial information, amino acid conservation, physicochemical variation, residue mobility, and thermodynamic stability) indicates that this missense variant is expected to disrupt PALB2 protein function with a positive predictive value of 80%. In summary, the available evidence is currently insufficient to determine the role of this variant in disease. Therefore, it has been classified as a Variant of Uncertain Significance.

Color Diagnostics, LLC DBA Color Health
Classification: Uncertain significance for Hereditary cancer-predisposing syndrome. Last evaluated: 2023-12-05. Review status: criteria provided, single submitter. Criteria: ACMG Guidelines, 2015. Collection method: clinical testing. Allele origin: germline.
Comment: This missense variant replaces glycine with valine at codon 971 of the PALB2 protein. Computational prediction suggests that this variant may not impact protein structure and function (internally defined REVEL score threshold <= 0.5, PMID: 27666373). To our knowledge, functional studies have not been reported for this variant. This variant has not been reported in individuals affected with PALB2-related disorders in the literature. This variant has not been identified in the general population by the Genome Aggregation Database (gnomAD). The available evidence is insufficient to determine the role of this variant in disease conclusively. Therefore, this variant is classified as a Variant of Uncertain Significance.